The following is an entry in ClinVar:

NM_000548.5(TSC2):c.2375T>C (p.Leu792Pro)

Gene: TSC2 (TSC complex subunit 2; plus strand). Cytogenetic location: 16p13.3.
Variant type: single nucleotide variant.
Coding change: c.2375T>C on transcript NM_000548.5 (MANE Select); coding-DNA position 2375, T replaced by C.
Protein change: p.Leu792Pro; replaces leucine 792 with proline.
Molecular consequence: missense variant.
Genome position (GRCh38, 1-based): chr16:2,074,219, T>C. VCF-style: chr16-2074219-T-C. GRCh37 (hg19) VCF-style: chr16-2124220-T-C.
Other names: c.2375T>C, p.Leu792Pro (NM_001077183.3, NM_001114382.3, NM_001363528.2 and 3 more transcripts); c.2264T>C, p.Leu755Pro (NM_001318827.2); c.2228T>C, p.Leu743Pro (NM_001318829.2); c.1775T>C, p.Leu592Pro (NM_001318831.2); c.2408T>C, p.Leu803Pro (NM_001318832.2); short protein forms L792P, L743P, L803P, L592P, L755P.
Identifiers: ClinVar variation 50157 (VCV000050157.3), dbSNP rs137854241, ClinGen allele CA017314.
Genomic context (GRCh38, chr16:2,074,219, plus strand): 5'-GCTGCAAGCGGGTGGGGCCTGAGGTGTCCTGTCTCCTGCAGCGCGAGATGGTCTACTGCC[T>C]GGAGCAGGGCCTCATCCACCGCTGTGCCAGCCAGTGCGTCGTGGCCTTGTCCATCTGCAG-3'
Protein context (NP_000539.2, residues 782-802): KTKQREMVYC[Leu792Pro]EQGLIHRCAS

ClinVar aggregate classification (germline): Uncertain significance. Review status: criteria provided, multiple submitters, no conflicts (2 of 4 stars). 3 submissions from 3 submitters: Uncertain significance (2). 1 of the submissions does not count toward it. Last evaluated 2025-06-04.

Conditions:
Tuberous sclerosis syndrome (TSC). Also called: Tuberous Sclerosis Complex; Tuberous sclerosis. Identifiers: Orphanet 805, MedGen C0041341, MONDO:0001734.
Tuberous sclerosis 2 (TSC2). Identifiers: Orphanet 805, MedGen C1860707, MONDO:0013199, OMIM 613254.

Submissions (3):

Labcorp Genetics (formerly Invitae), Labcorp
Classification: Uncertain significance for Tuberous sclerosis 2. Last evaluated: 2025-06-04. Review status: criteria provided, single submitter. Criteria: Invitae Variant Classification Sherloc (09022015). Collection method: clinical testing. Allele origin: germline.
Comment: This sequence change replaces leucine, which is neutral and non-polar, with proline, which is neutral and non-polar, at codon 792 of the TSC2 protein (p.Leu792Pro). This variant is not present in population databases (gnomAD no frequency). This missense change has been observed in individual(s) with tuberous sclerosis complex (internal data). ClinVar contains an entry for this variant (Variation ID: 50157). Invitae Evidence Modeling of protein sequence and biophysical properties (such as structural, functional, and spatial information, amino acid conservation, physicochemical variation, residue mobility, and thermodynamic stability) has been performed for this missense variant. However, the output from this modeling did not meet the statistical confidence thresholds required to predict the impact of this variant on TSC2 protein function. In summary, the available evidence is currently insufficient to determine the role of this variant in disease. Therefore, it has been classified as a Variant of Uncertain Significance.

Athena Diagnostics
Classification: Uncertain significance. Last evaluated: 2018-05-29. Review status: criteria provided, single submitter. Criteria: Athena Diagnostics Criteria. Collection method: clinical testing. Allele origin: germline.

Tuberous sclerosis database (TSC2)
No classification provided. Condition: TSC. Review status: no classification provided. Criteria: Tuberous Sclerosis Database Assertion Criteria 2015. Collection method: curation. Allele origin: germline. Affected: yes. Not counted in ClinVar's aggregate classification.